The following is an entry in ClinVar:

ClinVar aggregate classification (germline): Uncertain significance (1 of 4 stars; one submission).

Conditions:
Gamma-aminobutyric acid transaminase deficiency (GABATD). Also called: GABA transaminase deficiency; Gamma aminobutyrate transaminase deficiency; 4 alpha aminobutyrate transaminase deficiency; GABA aminotransaminase deficiency. Identifiers: Orphanet 2066, MedGen C0342708, MONDO:0013166, OMIM 613163.

Allele frequency attached by ClinVar (database versions not stated): gnomAD 0.00001; gnomAD exomes 0.00001 and 0.00002.
gnomAD v4.1: 17 of 1,614,074 alleles (0.0011%); highest among the groups gnomAD compares: Middle Eastern, 0.016%; no homozygotes.

Submission:

Labcorp Genetics (formerly Invitae), Labcorp
Classification: Uncertain significance for Gamma-aminobutyric acid transaminase deficiency. Last evaluated: 2022-07-05. Review status: criteria provided, single submitter. Criteria: Invitae Variant Classification Sherloc (09022015). Collection method: clinical testing. Allele origin: germline.
Comment: In summary, the available evidence is currently insufficient to determine the role of this variant in disease. Therefore, it has been classified as a Variant of Uncertain Significance. Algorithms developed to predict the effect of missense changes on protein structure and function are either unavailable or do not agree on the potential impact of this missense change (SIFT: "Deleterious"; PolyPhen-2: "Benign"; Align-GVGD: "Class C0"). ClinVar contains an entry for this variant (Variation ID: 951723). This variant has not been reported in the literature in individuals affected with ABAT-related conditions. This variant is present in population databases (no rsID available, gnomAD 0.002%). This sequence change replaces threonine, which is neutral and polar, with serine, which is neutral and polar, at codon 227 of the ABAT protein (p.Thr227Ser).

NM_020686.6(ABAT):c.680C>G (p.Thr227Ser)

Gene: ABAT (4-aminobutyrate aminotransferase; plus strand). Cytogenetic location: 16p13.2.
Variant type: single nucleotide variant.
Coding change: c.680C>G on transcript NM_020686.6 (MANE Select); coding-DNA position 680, C replaced by G.
Protein change: p.Thr227Ser; replaces threonine 227 with serine.
Molecular consequence: missense variant.
Genome position (GRCh38, 1-based): chr16:8,768,837, C>G. VCF-style: chr16-8768837-C-G. GRCh37 (hg19) VCF-style: chr16-8862694-C-G.
Other names: c.680C>G, p.Thr227Ser (NM_000663.5, NM_001127448.2, NM_001386600.1 and 7 more transcripts); c.617C>G, p.Thr206Ser (NM_001386606.1, NM_001386607.1); c.587C>G, p.Thr196Ser (NM_001386608.1); c.545C>G, p.Thr182Ser (NM_001386610.1, NM_001386611.1); c.482C>G, p.Thr161Ser (NM_001386612.1, NM_001386613.1); c.434C>G, p.Thr145Ser (NM_001386614.1); c.776C>G, p.Thr259Ser (NM_001386615.1); short protein forms T227S, T145S, T161S, T182S, T196S, T206S, T259S.
Identifiers: ClinVar variation 951723 (VCV000951723.8), dbSNP rs1223056561, ClinGen allele CA394688883.